The following is an entry in ClinVar:

NM_007294.4(BRCA1):c.5181A>C (p.Lys1727Asn)

Gene: BRCA1 (BRCA1 DNA repair associated; minus strand). Cytogenetic location: 17q21.31.
Variant type: single nucleotide variant.
Coding change: c.5181A>C on transcript NM_007294.4 (MANE Select); coding-DNA position 5181, A replaced by C.
Protein change: p.Lys1727Asn; replaces lysine 1727 with asparagine.
Molecular consequence: missense variant. On other transcripts: non-coding transcript variant (1).
Genome position (GRCh38, 1-based): chr17:43,063,345, T>G on the plus strand (A>C on the coding strand, the complement: BRCA1 is on the minus strand). VCF-style: chr17-43063345-T-G. GRCh37 (hg19) VCF-style: chr17-41215362-T-G.
Other names: c.4968A>C, p.Lys1656Asn (NM_001407571.1, NM_001407900.1, NM_001407902.1 and 12 more transcripts); c.5247A>C, p.Lys1749Asn (NM_001407581.1, NM_001407582.1); c.5244A>C, p.Lys1748Asn (NM_001407583.1, NM_001407585.1, NM_001407587.1 and 1 more transcripts); c.5241A>C, p.Lys1747Asn (NM_001407590.1, NM_001407591.1); c.5181A>C, p.Lys1727Asn (NM_001407593.1, NM_001407594.1, NM_001407596.1 and 7 more transcripts); c.5178A>C, p.Lys1726Asn (NM_001407610.1, NM_001407611.1, NM_001407612.1 and 17 more transcripts); c.5175A>C, p.Lys1725Asn (NM_001407629.1, NM_001407630.1, NM_001407631.1 and 14 more transcripts); c.5121A>C, p.Lys1707Asn (NM_001407649.1); and 72 more; short protein forms K1727N, K1748N, K1680N, K623N, K1558N, K1615N, K1638N, K1657N.
Identifiers: ClinVar variation 867448 (VCV000867448.3), dbSNP rs2051859200, ClinGen allele CA10591182.

Conditions:
Breast-ovarian cancer, familial, susceptibility to, 1 (BROVCA1). Also called: BRCA1 Hereditary Breast and Ovarian Cancer; OVARIAN CANCER, SUSCEPTIBILITY TO. Identifiers: Orphanet 145, MedGen C2676676, MONDO:0011450, OMIM 604370. Disease mechanism: loss of function.

Submission:

Brotman Baty Institute, University of Washington
No classification provided (evidence only). Condition: Breast-ovarian cancer, familial 1. Review status: no classification provided. Collection method: in vitro. Allele origin: not applicable. Functional consequence: functionally_normal.
ClinVar note: "not provided" was previously submitted as the classification for the variant. However, the classification appeared to be based only on an observation of functional data so it was converted to no classification on 2025-07-30.